The following is an entry in ClinVar:

ClinVar aggregate classification (germline): Conflicting classifications of pathogenicity. Review status: criteria provided, conflicting classifications (1 of 4 stars). 11 submissions from 10 submitters: Likely pathogenic (3); Uncertain significance (5). 3 of the submissions do not count toward it. Last evaluated 2025-06-05.

Conditions:
Congenital bilateral aplasia of vas deferens from CFTR mutation (CBAVD). Identifiers: Orphanet 48, MedGen C0403814, MONDO:0010178, OMIM 277180. Disease mechanism: loss of function.
Cystic fibrosis (CF). Also called: MUCOVISCIDOSIS. Identifiers: Orphanet 586, MedGen C0010674, MONDO:0009061, OMIM 219700. Disease mechanism: loss of function.
Bronchiectasis with or without elevated sweat chloride 1 (BESC1). Also called: Cystic Fibrosis-Like Syndrome. Identifiers: Orphanet 60033, MedGen C2749757, MONDO:0008887, OMIM 211400.

Allele frequency attached by ClinVar (database versions not stated): ExAC 0.00001; TOPMed 0.00002; gnomAD 0.00001; gnomAD exomes 0.00001.
gnomAD v4.1: 13 of 1,611,112 alleles (0.00081%); highest among the groups gnomAD compares: Non-Finnish European, 0.0011%; no homozygotes.

Submissions (11):

GeneDx
Classification: Uncertain significance. Last evaluated: 2025-06-05. Review status: criteria provided, single submitter. Criteria: GeneDx Variant Classification Process June 2021. Collection method: clinical testing. Allele origin: germline.
Comment: Published functional studies suggest a damaging effect: increased endocytic trafficking and lower cell-surface density, but no effect on biosynthesis and targeting to the cell surface (PMID: 12529365); In silico analysis suggests that this missense variant does not alter protein structure/function; Not observed at significant frequency in large population cohorts (gnomAD); This variant is associated with the following publications: (PMID: 25735457, 26003067, 24561283, 19810821, 17235394, 16339147, 16049310, 17539902, 25404111, 22138491, 28603918, 17098482, 9401006, 12529365, 37511222)

Women's Health and Genetics/Laboratory Corporation of America, LabCorp
Classification: Uncertain significance. Last evaluated: 2025-04-07. Review status: criteria provided, single submitter. Criteria: LabCorp Variant Classification Summary - May 2015. Collection method: clinical testing. Allele origin: germline.
Comment: Variant summary: CFTR c.859A>T (p.Asn287Tyr) results in a non-conservative amino acid change located in the ABC transporter type 1, transmembrane domain (IPR011527) of the encoded protein sequence. Four of five in-silico tools predict a damaging effect of the variant on protein function. The variant allele was found at a frequency of 2.4e-05 in 252260 control chromosomes. The available data on variant occurrences in the general population are insufficient to allow any conclusion about variant significance. c.859A>T has been reported in the literature in the compound heterozygous state together with p.Phe508del in an individual with a mild form of Cystic Fibrosis (Shrimpton_1997) and in the heterozygous state in two individuals with with idiopathic chronic pancreatitis (Chang_2007). The variant has also been observed in 2 additional patients: one referred for genetic testing for chronic pancreatitis, and the other was asymptomatic but had a 1st cousin with CF (internal data). Both patients also tested positive for c.2052dupA (p.Gln685ThrfsX4; phase is unknown), a mutation known to be associated with pancreatic insufficient CF. The UMD database also reported the variant of interest in one CF patient who had c.1521_1523delCTT (p.Phe508del) on the other allele and also carried c.2052dup (p.Gln685ThrfsX4; phase not specified), suggesting that c.859A>T (p.Asn287Tyr) may not be the cause of CF in this patient if the two pathogenic variants (i.e. p.Gln685ThrfsX4 and p.Phe508del) were in trans. It is possible that p.Gln685ThrfsX4 may be in cis with p.Asn287Tyr given these two relatively uncommon variants (p.Gln685ThrfsX4 has an allele frequency of 2/119584 in ExAC) were found together in 3 individuals and co-segregated together in one family (internal data). At least one publication reports experimental evidence evaluating an impact on protein function (Silvis_2003). In these experiments, the variant did not exhibit a folding defect, as evidenced by similar maturation kinetics to the wild type CFTR protein. However, there was roughly 50% of the variant protein located at the plasma membrane at the steady state relative to wild type CFTR. Cholride transport was reduced in proportion to altered cell surface CFTR, but the single-channel properties of the variant were similar to those of the wild type. Biotinylation experiments showed that the variant protein was internalized approximately twice as fast as wild type CFTR, which is expected to alter its distribution between the plasma membrane and intracellular compartments, reducing its expression at the cell surface. The following publications have been ascertained in the context of this evaluation (PMID: 34740355, 17539902, 9401006, 12529365, 16339147, 25735457). ClinVar contains an entry for this variant (Variation ID: 54069). Based on the evidence outlined above, the variant was classified as uncertain significance.

Ambry Genetics
Classification: Uncertain significance for Cystic fibrosis. Last evaluated: 2025-01-16. Review status: criteria provided, single submitter. Criteria: Ambry Variant Classification Scheme 2023. Collection method: clinical testing. Allele origin: germline.
Comment: The p.N287Y variant (also known as c.859A>T), located in coding exon 7 of the CFTR gene, results from an A to T substitution at nucleotide position 859. The asparagine at codon 287 is replaced by tyrosine, an amino acid with dissimilar properties. This alteration was identified with Delta F508 in an individual with a clinical diagnosis of cystic fibrosis (Shrimpton AE et al. Hum Mutat, 1997;10:436-42). In vitro studies showed CFTR protein harboring N287Y has normal maturation, cell surface targeting, and channel gating. However, this variant increased internalization of the protein, leading to reduced expression on the cell surface (Silvis MR et al. J Biol Chem, 2003 Mar;278:11554-60). Additionally, this alteration was identified in an individual diagnosed with idiopathic chronic pancreatitis (Chang MC et al. Clin Genet, 2007 Jun;71:530-9). This amino acid position is well conserved in available vertebrate species. In addition, the in silico prediction for this alteration is inconclusive. Based on the available evidence, the clinical significance of this variant remains unclear.

Baylor Genetics
Classification: Likely pathogenic for Bronchiectasis with or without elevated sweat chloride 1. Last evaluated: 2024-01-15. Review status: criteria provided, single submitter. Criteria: ACMG Guidelines, 2015. Collection method: clinical testing. Allele origin: unknown.

Institute of Human Genetics, University of Leipzig Medical Center
Classification: Likely pathogenic for Cystic fibrosis. Last evaluated: 2022-09-05. Review status: criteria provided, single submitter. Criteria: ACMG Guidelines, 2015. Collection method: curation. Allele origin: unknown. Affected: yes. Observed: 1 variant allele.
Comment: The variant was classified in the context of a project re-classifying variants in the German Cystic Fibrosis Registry (Muko.e.V.). Criteria applied: PS3_MOD, PM2_SUP, PM3, PP3

Labcorp Genetics (formerly Invitae), Labcorp
Classification: Uncertain significance for Cystic fibrosis. Last evaluated: 2021-11-14. Review status: criteria provided, single submitter. Criteria: Invitae Variant Classification Sherloc (09022015). Collection method: clinical testing. Allele origin: germline.
Comment: This sequence change replaces asparagine, which is neutral and polar, with tyrosine, which is neutral and polar, at codon 287 of the CFTR protein (p.Asn287Tyr). This variant is present in population databases (rs397508804, gnomAD 0.003%). This missense change has been observed in individual(s) with cystic fibrosis (PMID: 9401006). ClinVar contains an entry for this variant (Variation ID: 54069). Algorithms developed to predict the effect of missense changes on protein structure and function are either unavailable or do not agree on the potential impact of this missense change (SIFT: "Deleterious"; PolyPhen-2: "Benign"; Align-GVGD: "Class C0"). Experimental studies have shown that this missense change affects CFTR function (PMID: 12529365). In summary, the available evidence is currently insufficient to determine the role of this variant in disease. Therefore, it has been classified as a Variant of Uncertain Significance.

Genome-Nilou Lab
Classification: Uncertain significance for Cystic fibrosis. Last evaluated: 2021-07-22. Review status: criteria provided, single submitter. Criteria: ACMG Guidelines, 2015. Collection method: clinical testing. Allele origin: germline. Affected: no.

Baylor Genetics
Classification: Likely pathogenic for Congenital bilateral aplasia of vas deferens from CFTR mutation; Cystic fibrosis. Review status: criteria provided, single submitter. Criteria: ACMG Guidelines, 2015. Collection method: clinical testing. Allele origin: germline.

Natera, Inc.
Classification: Uncertain significance for Cystic Fibrosis. Last evaluated: 2020-09-16. Review status: no assertion criteria provided. Collection method: clinical testing. Allele origin: germline. Not counted in ClinVar's aggregate classification.

Counsyl
Classification: Uncertain significance for Cystic fibrosis. Last evaluated: 2017-03-15. Review status: no assertion criteria provided. Collection method: clinical testing. Allele origin: unknown. Not counted in ClinVar's aggregate classification.

ClinVar Staff, National Center for Biotechnology Information (NCBI)
No classification provided. Condition: CFTR-related disorders. Review status: no classification provided. Collection method: literature only. Allele origin: germline. Affected: yes. Not counted in ClinVar's aggregate classification.

Literature cited by the submitters: PubMed 16339147 (cited by Women's Health and Genetics/Laboratory Corporation of America, LabCorp); PubMed 17539902 (cited by Women's Health and Genetics/Laboratory Corporation of America, LabCorp and Ambry Genetics); PubMed 16049310 (cited by Women's Health and Genetics/Laboratory Corporation of America, LabCorp); PubMed 17235394 (cited by Women's Health and Genetics/Laboratory Corporation of America, LabCorp); PubMed 17098482 (cited by Women's Health and Genetics/Laboratory Corporation of America, LabCorp); PubMed 25735457 (cited by Women's Health and Genetics/Laboratory Corporation of America, LabCorp); PubMed 9401006 (cited by 4 submitters); PubMed 12529365 (cited by 4 submitters); PubMed 25404111 (cited by Women's Health and Genetics/Laboratory Corporation of America, LabCorp); PubMed 24561283 (cited by Women's Health and Genetics/Laboratory Corporation of America, LabCorp); PubMed 22138491 (cited by Women's Health and Genetics/Laboratory Corporation of America, LabCorp); PubMed 26003067 (cited by Women's Health and Genetics/Laboratory Corporation of America, LabCorp); PubMed 34740355 (cited by Women's Health and Genetics/Laboratory Corporation of America, LabCorp); PubMed 19810821 (cited by ClinVar Staff, National Center for Biotechnology Information (NCBI)).

NM_000492.4(CFTR):c.859A>T (p.Asn287Tyr)

Gene: CFTR (CF transmembrane conductance regulator; plus strand). Cytogenetic location: 7q31.2.
Variant type: single nucleotide variant.
Coding change: c.859A>T on transcript NM_000492.4 (MANE Select); coding-DNA position 859, A replaced by T.
Protein change: p.Asn287Tyr; replaces asparagine 287 with tyrosine.
Molecular consequence: missense variant.
Genome position (GRCh38, 1-based): chr7:117,536,663, A>T. VCF-style: chr7-117536663-A-T. GRCh37 (hg19) VCF-style: chr7-117176717-A-T.
Other names: short protein forms N287Y.
Identifiers: ClinVar variation 54069 (VCV000054069.21), dbSNP rs397508804, ClinGen allele CA327669.